The following is an entry in ClinVar:

ClinVar aggregate classification (germline): Uncertain significance (1 of 4 stars; one submission).

gnomAD v4.1: 10 of 1,613,362 alleles (0.00062%); highest among the groups gnomAD compares: South Asian, 0.0099%; no homozygotes.

Submission:

GeneDx
Classification: Uncertain significance. Last evaluated: 2024-12-23. Review status: criteria provided, single submitter. Criteria: GeneDx Variant Classification Process June 2021. Collection method: clinical testing. Allele origin: germline. Affected: yes.
Comment: In silico analysis indicates that this missense variant does not alter protein structure/function; Has not been previously published as pathogenic or benign to our knowledge

NM_001354768.3(NRL):c.314T>C (p.Val105Ala)

Gene: NRL (neural retina leucine zipper; minus strand). Cytogenetic location: 14q11.2.
Variant type: single nucleotide variant.
Coding change: c.314T>C on transcript NM_001354768.3 (MANE Select); coding-DNA position 314, T replaced by C.
Protein change: p.Val105Ala; replaces valine 105 with alanine.
Molecular consequence: missense variant. On other transcripts: intron variant (1).
Genome position (GRCh38, 1-based): chr14:24,082,535, A>G on the plus strand (T>C on the coding strand, the complement: NRL is on the minus strand). VCF-style: chr14-24082535-A-G. GRCh37 (hg19) VCF-style: chr14-24551744-A-G.
Other names: c.314T>C, p.Val105Ala (NM_001354769.1, NM_006177.5); c.66+248T>C (NM_001354770.2); short protein forms V105A.
Identifiers: ClinVar variation 3906278 (VCV003906278.1).